The following is an entry in ClinVar:

ClinVar aggregate classification (germline): Likely benign (1 of 4 stars; one submission).

Submission:

CeGaT Center for Human Genetics Tuebingen
Classification: Likely benign. Last evaluated: 2023-06-01. Review status: criteria provided, single submitter. Criteria: CeGaT Center For Human Genetics Tuebingen Variant Classification Criteria Version 2. Collection method: clinical testing. Allele origin: germline. Affected: yes. Observed: 5 variant alleles.
Comment: DDX11: BS2

NC_000012.12:g.31125562_31125567dup

Gene: DDX11 (DEAD/H-box helicase 11; plus strand). Cytogenetic location: 12p11.21.
Variant type: Duplication.
Molecular consequence: non-coding transcript variant (on NR_153414.1).
Genome position: GRCh38 VCF-style: chr12-31125560-T-TCTTTCC. GRCh37 (hg19) VCF-style: chr12-31278494-T-TCTTTCC.
Identifiers: ClinVar variation 2498553 (VCV002498553.28), dbSNP rs537884931, ClinGen allele CA6502208.